The following is an entry in ClinVar:

NM_016239.4(MYO15A):c.1615C>T (p.Gln539Ter)

Gene: MYO15A (myosin XVA; plus strand). Cytogenetic location: 17p11.2.
Variant type: single nucleotide variant.
Coding change: c.1615C>T on transcript NM_016239.4 (MANE Select); coding-DNA position 1615, C replaced by T.
Protein change: p.Gln539Ter; replaces glutamine 539 with a stop codon.
Molecular consequence: nonsense.
Genome position (GRCh38, 1-based): chr17:18,120,415, C>T. VCF-style: chr17-18120415-C-T. GRCh37 (hg19) VCF-style: chr17-18023729-C-T.
Other names: short protein forms Q539*.
Identifiers: ClinVar variation 803330 (VCV000803330.3), dbSNP rs1597752877, ClinGen allele CA398579699.
Genomic context (GRCh38, chr17:18,120,415, plus strand): 5'-CTGCCCCCGGTTTCCGCTGTGCCCTACGGCCACCCTTTCTGGGGCTTCCTCACGCCGCGC[C>T]AGCGCAACCTCCAGCGCGCGCTGTCGGCCTTCGGCGCCCACCGGGGCCTGGGCTTCGGCC-3'

ClinVar aggregate classification (germline): Pathogenic. Review status: criteria provided, multiple submitters, no conflicts (2 of 4 stars). 2 submissions from 2 submitters: Pathogenic (2). Last evaluated 2019-05-28.

Conditions:
Autosomal recessive nonsyndromic hearing loss 3. Also called: NEUROSENSORY NONSYNDROMIC RECESSIVE DEAFNESS 3. Identifiers: Orphanet 90636, MedGen C1838263, MONDO:0010860, OMIM 600316.

Allele frequency attached by ClinVar (database versions not stated): gnomAD exomes below 0.00001.
gnomAD v4.1: 3 of 1,603,124 alleles (0.00019%); highest among the groups gnomAD compares: Non-Finnish European, 0.00026%; no homozygotes.

Submissions (2):

Mendelics
Classification: Pathogenic for Autosomal recessive nonsyndromic hearing loss 3. Last evaluated: 2019-05-28. Review status: criteria provided, single submitter. Criteria: Mendelics Assertion Criteria 2017. Collection method: clinical testing. Allele origin: unknown.

Laboratory of Molecular, Cellular and Translation Genetics in Otolaryngology/ Lim32-hcfmusp, University of Sao Paulo School of Medicine Clinics Hospital
Classification: Pathogenic for Autosomal recessive nonsyndromic hearing loss 3. Review status: criteria provided, single submitter. Criteria: ClinGen HL ACMG Specifications v1. Collection method: research. Allele origin: germline. Inheritance: Autosomal recessive inheritance. Affected: yes. Observed: 1 variant allele, 1 compound heterozygote. Segregation with disease observed.

Literature cited by the submitters: PubMed 34599368 (cited by Laboratory of Molecular, Cellular and Translation Genetics in Otolaryngology/ Lim32-hcfmusp, University of Sao Paulo School of Medicine Clinics Hospital).